The following is an entry in ClinVar:

ClinVar aggregate classification (germline): Conflicting classifications of pathogenicity. Review status: criteria provided, conflicting classifications (1 of 4 stars). 3 submissions from 3 submitters: Pathogenic (2); Uncertain significance (1). Last evaluated 2025-04-13.

Conditions:
Hereditary cancer-predisposing syndrome. Also called: Hereditary neoplastic syndrome; Tumor predisposition; Neoplastic Syndromes, Hereditary; Hereditary Cancer Syndrome. Identifiers: Orphanet 140162, MedGen C0027672, MeSH D009386, MONDO:0015356.
Cardiovascular phenotype. Identifiers: MedGen CN230736.
Noonan syndrome 2 (NS2). Identifiers: Orphanet 648, MedGen C1854469, MONDO:0011531, OMIM 605275.
Noonan syndrome 10 (NS10). Identifiers: Orphanet 648, MedGen C4225280, MONDO:0014693, OMIM 616564.

Submissions (3):

Ambry Genetics
Classification: Pathogenic for Cardiovascular phenotype; Hereditary cancer-predisposing syndrome. Last evaluated: 2025-04-13. Review status: criteria provided, single submitter. Criteria: Ambry Variant Classification Scheme 2023. Collection method: clinical testing. Allele origin: germline.
Comment: The c.895_898delTTTG pathogenic mutation, located in coding exon 9 of the LZTR1 gene, results from a deletion of 4 nucleotides at nucleotide positions 895 to 898, causing a translational frameshift with a predicted alternate stop codon (p.F299Gfs*51). This variant was reported in individual(s) with features consistent with LZTR1-related schwannomatosis (Ambry internal data). This variant is considered to be rare based on population cohorts in the Genome Aggregation Database (gnomAD). Loss-of-function variants in LZTR1 are related to an increased risk for schwannomas and autosomal recessive Noonan syndrome; however, such associations with autosomal dominant Noonan syndrome have not been observed (Piotrowski A et al. Nat Genet. 2014 Feb;46:182-7; Yamamoto GL et al. J Med Genet. 2015 Jun;52:413-21; Johnston JJ et al. Genet Med. 2018 10;20:1175-1185). Based on the supporting evidence, this variant is pathogenic for an increased risk of LZTR1-related schwannomatosis (SWN) and would be expected to cause autosomal recessive Noonan syndrome when present along with a second pathogenic or likely pathogenic variant on the other allele; however, the association of this alteration with autosomal dominant Noonan syndrome is unlikely.

Labcorp Genetics (formerly Invitae), Labcorp
Classification: Pathogenic. Last evaluated: 2023-03-25. Review status: criteria provided, single submitter. Criteria: Invitae Variant Classification Sherloc (09022015). Collection method: clinical testing. Allele origin: germline.
Comment: For these reasons, this variant has been classified as Pathogenic. ClinVar contains an entry for this variant (Variation ID: 1696733). This variant has not been reported in the literature in individuals affected with LZTR1-related conditions. This variant is not present in population databases (gnomAD no frequency). This sequence change creates a premature translational stop signal (p.Phe299Glyfs*51) in the LZTR1 gene. It is expected to result in an absent or disrupted protein product. Loss-of-function variants in LZTR1 are known to be pathogenic (PMID: 24362817, 25335493, 25480913, 25795793, 29469822, 30368668, 30442762, 30442766, 30481304, 30859559).

New York Genome Center
Classification: Uncertain significance for Noonan syndrome 2; Noonan syndrome 10. Last evaluated: 2021-06-11. Review status: criteria provided, single submitter. Criteria: NYGC Assertion Criteria 2020. Collection method: clinical testing. Allele origin: inherited. Observed: 1 heterozygote. Study: CSER-NYCKidSeq.

Literature cited by the submitters: PubMed 24362817 (cited by Labcorp Genetics (formerly Invitae), Labcorp); PubMed 25335493 (cited by Labcorp Genetics (formerly Invitae), Labcorp); PubMed 25480913 (cited by Labcorp Genetics (formerly Invitae), Labcorp); PubMed 25795793 (cited by Labcorp Genetics (formerly Invitae), Labcorp); PubMed 29469822 (cited by Labcorp Genetics (formerly Invitae), Labcorp); PubMed 30368668 (cited by Labcorp Genetics (formerly Invitae), Labcorp); PubMed 30442762 (cited by Labcorp Genetics (formerly Invitae), Labcorp); PubMed 30442766 (cited by Labcorp Genetics (formerly Invitae), Labcorp); PubMed 30481304 (cited by Labcorp Genetics (formerly Invitae), Labcorp); PubMed 30859559 (cited by Labcorp Genetics (formerly Invitae), Labcorp).

NM_006767.4(LZTR1):c.895_898del (p.Phe299fs)

Gene: LZTR1 (leucine zipper like post translational regulator 1; plus strand). Cytogenetic location: 22q11.21.
Variant type: Deletion.
Coding change: c.895_898del on transcript NM_006767.4 (MANE Select); coding-DNA positions 895 to 898, 4 bases deleted (TTTG; older notation c.895_898delTTTG).
Protein change: p.Phe299fs; shifts the reading frame from phenylalanine 299.
Molecular consequence: frameshift variant.
Genome position (GRCh38, 1-based): chr22:20,991,731-20,991,734, TTTG deleted; deleting any 4 consecutive bases within chr22:20,991,729-20,991,734 gives the same sequence; the c. name uses the placement nearest the transcript's 3' end. VCF-style (leftmost placement, unchanged base first): chr22-20991728-GTGTT-G. GRCh37 (hg19) VCF-style: chr22-21346017-GTGTT-G.
Other names: c.895_898delTTTG (NM_006767.3); short protein forms F299fs.
Identifiers: ClinVar variation 1696733 (VCV001696733.6), dbSNP rs1924613524, ClinGen allele CA2396640704.